The following is an entry in ClinVar:

NM_201384.3(PLEC):c.1170-83G>T

Genes: PLEC (plectin; minus strand), LOC130001335 (ATAC-STARR-seq lymphoblastoid silent region 19629; plus strand). Cytogenetic location: 8q24.3.
Variant type: single nucleotide variant.
Coding change: c.1170-83G>T on transcript NM_201384.3 (MANE Select); 83 bases into the intron before coding-DNA position 1170, G replaced by T.
Molecular consequence: intron variant.
Genome position (GRCh38, 1-based): chr8:143,934,174, C>A on the plus strand (G>T on the coding strand, the complement: PLEC is on the minus strand). VCF-style: chr8-143934174-C-A. GRCh37 (hg19) VCF-style: chr8-145008342-C-A.
Other names: c.1251-83G>T (NM_000445.5); c.1128-83G>T (NM_201378.4); c.1104-83G>T (NM_201379.3); c.1581-83G>T (NM_201380.4); c.1074-83G>T (NM_201381.3); c.1170-83G>T (NM_201382.4); c.1182-83G>T (NM_201383.3).
Identifiers: ClinVar variation 667915 (VCV000667915.2), dbSNP rs11782331, ClinGen allele CA12780808.

ClinVar aggregate classification (germline): Benign. Review status: criteria provided, multiple submitters, no conflicts (2 of 4 stars). 2 submissions from 2 submitters: Benign (2). Last evaluated 2018-06-19.

Allele frequency attached by ClinVar (database versions not stated): 1000 Genomes Project 30x 0.22096; 1000 Genomes Project 0.22284; TOPMed 0.26875.
gnomAD v4.1: 579,376 of 1,583,468 alleles (37%); highest among the groups gnomAD compares: Non-Finnish European, 40%; 111,519 homozygotes.

Submissions (2):

GeneDx
Classification: Benign. Last evaluated: 2018-06-19. Review status: criteria provided, single submitter. Criteria: GeneDx Variant Classification (06012015). Collection method: clinical testing. Allele origin: germline. Affected: yes.
Comment: This variant is considered likely benign or benign based on one or more of the following criteria: it is a conservative change, it occurs at a poorly conserved position in the protein, it is predicted to be benign by multiple in silico algorithms, and/or has population frequency not consistent with disease.

Breakthrough Genomics
Classification: Benign. Review status: criteria provided, single submitter. Criteria: ACMG Guidelines, 2015. Collection method: not provided. Allele origin: germline. Inheritance: Autosomal recessive inheritance. Affected: yes.